The following is an entry in ClinVar:

ClinVar aggregate classification (germline): Conflicting classifications of pathogenicity. Review status: criteria provided, conflicting classifications (1 of 4 stars). 3 submissions from 3 submitters: Uncertain significance (1); Likely benign (1). 1 of the submissions does not count toward it. Last evaluated 2025-08-21.

Conditions:
UBQLN2-related disorder. Also called: UBQLN2-related condition.
Amyotrophic lateral sclerosis type 15. Also called: AMYOTROPHIC LATERAL SCLEROSIS 15 WITH FRONTOTEMPORAL DEMENTIA. Identifiers: Orphanet 803, MedGen C3275459, MONDO:0010459, OMIM 300857.

Allele frequency attached by ClinVar (database versions not stated): gnomAD exomes 0.00002; gnomAD 0.00003; ExAC 0.00006; ESP Exome Variant Server 0.00010.

Submissions (3):

Labcorp Genetics (formerly Invitae), Labcorp
Classification: Uncertain significance for Amyotrophic lateral sclerosis type 15. Last evaluated: 2025-08-21. Review status: criteria provided, single submitter. Criteria: Invitae Variant Classification Sherloc (09022015). Collection method: clinical testing. Allele origin: germline.
Comment: This sequence change affects codon 47 of the UBQLN2 mRNA. It is a 'silent' change, meaning that it does not change the encoded amino acid sequence of the UBQLN2 protein. The frequency data for this variant in the population databases is considered unreliable, as metrics indicate poor data quality at this position in the gnomAD database. This variant has not been reported in the literature in individuals affected with UBQLN2-related conditions. ClinVar contains an entry for this variant (Variation ID: 3046320). In summary, the available evidence is currently insufficient to determine the role of this variant in disease. Therefore, it has been classified as a Variant of Uncertain Significance.

CeGaT Center for Human Genetics Tuebingen
Classification: Likely benign. Last evaluated: 2025-02-01. Review status: criteria provided, single submitter. Criteria: CeGaT Center For Human Genetics Tuebingen Variant Classification Criteria Version 2. Collection method: clinical testing. Allele origin: germline. Affected: yes. Observed: 1 variant allele.
Comment: UBQLN2: BP4, BP7

PreventionGenetics, part of Exact Sciences
Classification: Likely benign for UBQLN2-related condition. Last evaluated: 2023-06-23. Review status: no assertion criteria provided. Collection method: clinical testing. Allele origin: germline. Not counted in ClinVar's aggregate classification.
Comment: This variant is classified as likely benign based on ACMG/AMP sequence variant interpretation guidelines (Richards et al. 2015 PMID: 25741868, with internal and published modifications).

NM_013444.4(UBQLN2):c.141G>A (p.Ala47=)

Gene: UBQLN2 (ubiquilin 2; plus strand). Cytogenetic location: Xp11.21.
Variant type: single nucleotide variant.
Coding change: c.141G>A on transcript NM_013444.4 (MANE Select); coding-DNA position 141, G replaced by A.
Protein change: p.Ala47=; no amino-acid change (alanine 47 retained).
Molecular consequence: synonymous variant.
Genome position (GRCh38, 1-based): chrX:56,564,014, G>A. VCF-style: chrX-56564014-G-A. GRCh37 (hg19) VCF-style: chrX-56590447-G-A.
Identifiers: ClinVar variation 3046320 (VCV003046320.16), dbSNP rs143098023, ClinGen allele CA10430041.